The following is an entry in ClinVar:

ClinVar aggregate classification (germline): Likely pathogenic (1 of 4 stars; one submission).

Conditions:
RAB23-related Carpenter syndrome. Also called: Carpenter syndrome 1; ACPS II. Identifiers: Orphanet 65759, MedGen C4551510, MONDO:0008710, OMIM 201000.

Submission:

Natera, Inc.
Classification: Likely pathogenic for Carpenter syndrome 1. Last evaluated: 2024-09-19. Review status: criteria provided, single submitter. Criteria: Natera Variant Classification Schema (03/2026). Collection method: clinical testing. Allele origin: germline.
Comment: The c.510del variant in RAB23 is a frameshift variant predicted to shift the reading frame beginning at codon 171 and leads to a stop codon 7 codons downstream. This variant is expected to result in nonsense mediated decay, truncation, or a dysfunctional protein product. This variant is rare in the general population with a frequency below the threshold expected for the associated phenotype(s). Given the available evidence, this variant is classified as Likely Pathogenic.

NM_016277.5(RAB23):c.510del (p.Gln171fs)

Gene: RAB23 (RAB23, member RAS oncogene family; minus strand). Cytogenetic location: 6p12.1.
Variant type: Deletion.
Coding change: c.510del on transcript NM_016277.5 (MANE Select); coding-DNA position 510, one base deleted (T; older notation c.510delT).
Protein change: p.Gln171fs; shifts the reading frame from glutamine 171.
Molecular consequence: frameshift variant. On other transcripts: non-coding transcript variant (1).
Genome position (GRCh38, 1-based): chr6:57,193,906, A deleted on the plus strand (T on the coding strand, the reverse complement: RAB23 is on the minus strand); the first of 2 consecutive A bases (chr6:57,193,906-57,193,907); deleting either gives the same sequence. VCF-style (leftmost placement, unchanged base first): chr6-57193905-GA-G. GRCh37 (hg19) VCF-style: chr6-57058703-GA-G.
Other names: c.510del, p.Gln171fs (NM_001278666.2, NM_001278667.2, NM_001278668.2 and 1 more transcripts); short protein forms Q171fs.
Identifiers: ClinVar variation 4817034 (VCV004817034.1).